The following is an entry in ClinVar:

NM_001277115.2(DNAH11):c.12804G>A (p.Met4268Ile)

Gene: DNAH11 (dynein axonemal heavy chain 11; plus strand). Cytogenetic location: 7p15.3.
Variant type: single nucleotide variant.
Coding change: c.12804G>A on transcript NM_001277115.2 (MANE Select); coding-DNA position 12804, G replaced by A.
Protein change: p.Met4268Ile; replaces methionine 4268 with isoleucine.
Molecular consequence: missense variant.
Genome position (GRCh38, 1-based): chr7:21,894,676, G>A. VCF-style: chr7-21894676-G-A. GRCh37 (hg19) VCF-style: chr7-21934294-G-A.
Other names: c.12825G>A, p.Met4275Ile (NM_003777.3); c.12804G>A (NM_001277115.1); short protein forms M4268I, M4275I.
Identifiers: ClinVar variation 2728387 (VCV002728387.4), dbSNP rs1283821643, ClinGen allele CA366954404.
Genomic context (GRCh38, chr7:21,894,676, plus strand): 5'-ATTTAAGGTTAAGAATGTCTTGGATGACATTTTGGAGAAACTTCCAGAAGAGTTCAACAT[G>A]GCAGAGATAATGCAAAAAAATTCAAATAGAAGCCCATATGTTCTTGTTTGCTTCCAAGAA-3'
Protein context (NP_001264044.1, residues 4258-4278): ILEKLPEEFN[Met4268Ile]AEIMQKNSNR

ClinVar aggregate classification (germline): Conflicting classifications of pathogenicity. Review status: criteria provided, conflicting classifications (1 of 4 stars). 2 submissions from 2 submitters: Uncertain significance (1); Likely benign (1). Last evaluated 2024-01-27.

Conditions:
Primary ciliary dyskinesia. Also called: Ciliary dyskinesia. Identifiers: Orphanet 244, MedGen C0008780, MONDO:0016575, HP:0012265.

Allele frequency attached by ClinVar (database versions not stated): gnomAD exomes below 0.00001; TOPMed below 0.00001.
gnomAD v4.1: 3 of 1,613,964 alleles (0.00019%); highest among the groups gnomAD compares: Admixed American, 0.0017%; no homozygotes.

Submissions (2):

Ambry Genetics
Classification: Uncertain significance for Primary ciliary dyskinesia. Last evaluated: 2024-01-27. Review status: criteria provided, single submitter. Criteria: Ambry Variant Classification Scheme 2023. Collection method: clinical testing. Allele origin: germline.
Comment: The p.M4268I variant (also known as c.12804G>A), located in coding exon 78 of the DNAH11 gene, results from a G to A substitution at nucleotide position 12804. The methionine at codon 4268 is replaced by isoleucine, an amino acid with highly similar properties. This amino acid position is conserved. In addition, this alteration is predicted to be tolerated by in silico analysis. Based on the available evidence, the clinical significance of this alteration remains unclear.

Labcorp Genetics (formerly Invitae), Labcorp
Classification: Likely benign for Primary ciliary dyskinesia. Last evaluated: 2023-05-17. Review status: criteria provided, single submitter. Criteria: Invitae Variant Classification Sherloc (09022015). Collection method: clinical testing. Allele origin: germline.